The following is an entry in ClinVar:

ClinVar aggregate classification (germline): Likely pathogenic. Review status: criteria provided, single submitter (1 of 4 stars). 2 submissions from 2 submitters: Likely pathogenic (1). 1 of the submissions does not count toward it. Last evaluated 2022-07-05.

Allele frequency attached by ClinVar (database versions not stated): gnomAD exomes 0.00001 and 0.00003; TOPMed 0.00003; 1000 Genomes Project 30x 0.00016; 1000 Genomes Project 0.00020; ExAC 0.00003; gnomAD 0.00005 and 0.00004; ESP Exome Variant Server 0.00016.

Submissions (2):

Labcorp Genetics (formerly Invitae), Labcorp
Classification: Likely pathogenic. Last evaluated: 2022-07-05. Review status: criteria provided, single submitter. Criteria: Invitae Variant Classification Sherloc (09022015). Collection method: clinical testing. Allele origin: germline.
Comment: This sequence change affects a donor splice site in intron 1 of the NLRP5 gene. It is expected to disrupt RNA splicing. Variants that disrupt the donor or acceptor splice site typically lead to a loss of protein function (PMID: 16199547), and loss-of-function variants in NLRP5 are known to be pathogenic (PMID: 11062459, 30877238, 32172300). This variant is present in population databases (rs199475763, gnomAD 0.02%). This variant has not been reported in the literature in individuals affected with NLRP5-related conditions. ClinVar contains an entry for this variant (Variation ID: 103296). Algorithms developed to predict the effect of sequence changes on RNA splicing suggest that this variant may disrupt the consensus splice site. In summary, the currently available evidence indicates that the variant is pathogenic, but additional data are needed to prove that conclusively. Therefore, this variant has been classified as Likely Pathogenic.

Human Evolutionary Genetics, Institut Pasteur
No classification provided. Review status: no classification provided. Collection method: not provided. Allele origin: germline. Not counted in ClinVar's aggregate classification.
ClinVar note: Converted during submission from untested to not provided.

Literature cited by the submitters: PubMed 16199547 (cited by Labcorp Genetics (formerly Invitae), Labcorp); PubMed 11062459 (cited by Labcorp Genetics (formerly Invitae), Labcorp); PubMed 30877238 (cited by Labcorp Genetics (formerly Invitae), Labcorp); PubMed 32172300 (cited by Labcorp Genetics (formerly Invitae), Labcorp).

NM_001433705.1(NLRP5):c.-71-3948G>A

Gene: NLRP5 (NLR family pyrin domain containing 5; plus strand). Cytogenetic location: 19q13.43.
Variant type: single nucleotide variant.
Coding change: c.-71-3948G>A on transcript NM_001433705.1 (MANE Select); 3948 bases into the intron before 71 bases upstream of the start codon, G replaced by A.
Molecular consequence: intron variant.
Genome position (GRCh38, 1-based): chr19:55,999,788, G>A. VCF-style: chr19-55999788-G-A. GRCh37 (hg19) VCF-style: chr19-56511154-G-A.
Other names: NM_153447.4:c.62+1G>A.
Identifiers: ClinVar variation 103296 (VCV000103296.4), dbSNP rs199475763, ClinGen allele CA230381.